The following is an entry in ClinVar:

NM_004046.6(ATP5F1A):c.1176+1G>C

Gene: ATP5F1A (ATP synthase F1 subunit alpha; minus strand). Cytogenetic location: 18q21.1.
Variant type: single nucleotide variant.
Coding change: c.1176+1G>C on transcript NM_004046.6 (MANE Select); the canonical splice donor site of the intron after coding-DNA position 1176, G replaced by C.
Molecular consequence: splice donor variant.
Genome position (GRCh38, 1-based): chr18:46,087,007, C>G on the plus strand (G>C on the coding strand, the complement: ATP5F1A is on the minus strand). VCF-style: chr18-46087007-C-G. GRCh37 (hg19) VCF-style: chr18-43666973-C-G.
Other names: c.1176+1G>C (NM_001001937.2); c.1110+1G>C (NM_001257334.2); c.1026+1G>C (NM_001001935.3, NM_001257335.2).
Identifiers: ClinVar variation 429464 (VCV000429464.3), dbSNP rs1131691396, ClinGen allele CA402354421.

ClinVar aggregate classification (germline): Likely pathogenic. Review status: criteria provided, multiple submitters, no conflicts (2 of 4 stars). 2 submissions from 2 submitters: Likely pathogenic (2). Last evaluated 2020-11-18.

Conditions:
Combined oxidative phosphorylation deficiency 22 (COXPD22). Identifiers: MedGen C4015062, MONDO:0020727, OMIM 616045.

Submissions (2):

CENTOGENE GmbH and LLC - Guiding Precision Medicine
Classification: Likely pathogenic for Combined oxidative phosphorylation deficiency 22. Last evaluated: 2020-11-18. Review status: criteria provided, single submitter. Criteria: ACMG Guidelines, 2015. Collection method: clinical testing. Allele origin: de novo. Affected: no.

GeneDx
Classification: Likely pathogenic. Last evaluated: 2017-05-10. Review status: criteria provided, single submitter. Criteria: GeneDx Variant Classification (06012015). Collection method: clinical testing. Allele origin: germline. Affected: yes.
Comment: The c.1176+1G>C variant in the ATP5A1 gene has not been reported previously as a pathogenic variant nor as a benign variant, to our knowledge. This splice site variant destroys the canonical splice donor site in intron 9. It is predicted to cause abnormal gene splicing, either leading to an abnormal message that is subject to nonsense-mediated mRNA decay, or to an abnormal protein product if the message is used for protein translation. The c.1176+1G>C variant is not observed in large population cohorts (Lek et al., 2016; 1000 Genomes Consortium et al., 2015; Exome Variant Server). We interpret c.1176+1G>C as a likely pathogenic variant.